The following is an entry in ClinVar:

NM_005898.5(CAPRIN1):c.1177C>A (p.Gln393Lys)

Gene: CAPRIN1 (cell cycle associated protein 1; plus strand). Cytogenetic location: 11p13.
Variant type: single nucleotide variant.
Coding change: c.1177C>A on transcript NM_005898.5 (MANE Select); coding-DNA position 1177, C replaced by A.
Protein change: p.Gln393Lys; replaces glutamine 393 with lysine.
Molecular consequence: missense variant.
Genome position (GRCh38, 1-based): chr11:34,086,359, C>A. VCF-style: chr11-34086359-C-A. GRCh37 (hg19) VCF-style: chr11-34107906-C-A.
Other names: c.1177C>A, p.Gln393Lys (NM_203364.3); short protein forms Q393K.
Identifiers: ClinVar variation 4532623 (VCV004532623.1).

ClinVar aggregate classification (germline): Uncertain significance (1 of 4 stars; one submission).

gnomAD v4.1: 1 of 1,613,990 alleles (0.000062%); highest among the groups gnomAD compares: Non-Finnish European, 0.000085%; no homozygotes.

Submission:

GeneDx
Classification: Uncertain significance. Last evaluated: 2025-06-01. Review status: criteria provided, single submitter. Criteria: GeneDx Variant Classification Process June 2021. Collection method: clinical testing. Allele origin: germline. Affected: yes.
Comment: Not observed at significant frequency in large population cohorts (gnomAD); In silico analysis suggests that this missense variant does not alter protein structure/function; Has not been previously published as pathogenic or benign to our knowledge